The following is an entry in ClinVar:

NM_025099.6(CTC1):c.385_394del (p.Arg129fs)

Gene: CTC1 (CST telomere replication complex component 1; minus strand). Cytogenetic location: 17p13.1.
Variant type: Deletion.
Coding change: c.385_394del on transcript NM_025099.6 (MANE Select); coding-DNA positions 385 to 394, 10 bases deleted (AGGAACGGAA; older notation c.385_394delAGGAACGGAA).
Protein change: p.Arg129fs; shifts the reading frame from arginine 129.
Molecular consequence: frameshift variant. On other transcripts: non-coding transcript variant (1).
Genome position (GRCh38, 1-based): chr17:8,238,433-8,238,442, TTCCGTTCCT deleted on the plus strand (AGGAACGGAA on the coding strand, the reverse complement: CTC1 is on the minus strand). VCF-style (leftmost placement, unchanged base first): chr17-8238432-CTTCCGTTCCT-C. GRCh37 (hg19) VCF-style: chr17-8141750-CTTCCGTTCCT-C.
Other names: c.385_394del, p.Arg129fs (NM_001411067.1); short protein forms R129fs.
Identifiers: ClinVar variation 3714592 (VCV003714592.2).
Genomic context (GRCh38, chr17:8,238,432, plus strand): 5'-GATCTCCACCTTCCACTCACCTCACAGCTCAGGACGCCAGTGTTATCTCTCACATAGAGG[CTTCCGTTCCT>C]GCACTCTTGTTCCAAGTCTGCCGATAGGTCTGTTAGTGTCCCTAAAAGTAACAGCTGCTC-3'

ClinVar aggregate classification (germline): Pathogenic (1 of 4 stars; one submission).

Conditions:
Dyskeratosis congenita. Identifiers: Orphanet 1775, MedGen C0265965, MONDO:0015780.

Submission:

Labcorp Genetics (formerly Invitae), Labcorp
Classification: Pathogenic for Dyskeratosis congenita. Last evaluated: 2025-05-05. Review status: criteria provided, single submitter. Criteria: Invitae Variant Classification Sherloc (09022015). Collection method: clinical testing. Allele origin: germline.
Comment: This sequence change creates a premature translational stop signal (p.Arg129Alafs*4) in the CTC1 gene. It is expected to result in an absent or disrupted protein product. Loss-of-function variants in CTC1 are known to be pathogenic (PMID: 22267198, 22387016). This variant is present in population databases (rs756859128, gnomAD 0.006%). This variant has not been reported in the literature in individuals affected with CTC1-related conditions. ClinVar contains an entry for this variant (Variation ID: 3714592). For these reasons, this variant has been classified as Pathogenic.

Literature cited by the submitters: PubMed 22267198; PubMed 22387016.